The following is an entry in ClinVar:

ClinVar aggregate classification (germline): Conflicting classifications of pathogenicity. Review status: criteria provided, conflicting classifications (1 of 4 stars). 8 submissions from 8 submitters: Uncertain significance (2); Likely benign (4). 2 of the submissions do not count toward it. Last evaluated 2026-01-28.

Conditions:
SMARCAL1-related disorder. Also called: SMARCAL1-related condition.
Schimke immuno-osseous dysplasia (SIOD). Also called: Schimke Immunoosseous Dysplasia. Identifiers: Orphanet 1830, MedGen C0877024, MONDO:0009458, OMIM 242900.

Allele frequency attached by ClinVar (database versions not stated): gnomAD 0.00006 and 0.00008; ESP Exome Variant Server 0.00008; TOPMed 0.00013; ExAC 0.00014; gnomAD exomes 0.00015.
gnomAD v4.1: 218 of 1,614,176 alleles (0.014%); highest among the groups gnomAD compares: Middle Eastern, 0.15%; no homozygotes.

Submissions (8):

Labcorp Genetics (formerly Invitae), Labcorp
Classification: Likely benign for Schimke immuno-osseous dysplasia. Last evaluated: 2026-01-28. Review status: criteria provided, single submitter. Criteria: Invitae Variant Classification Sherloc (09022015). Collection method: clinical testing. Allele origin: germline.

CeGaT Center for Human Genetics Tuebingen
Classification: Likely benign. Last evaluated: 2025-11-01. Review status: criteria provided, single submitter. Criteria: CeGaT Center For Human Genetics Tuebingen Variant Classification Criteria Version 2. Collection method: clinical testing. Allele origin: germline. Affected: yes. Observed: 2 variant alleles.
Comment: SMARCAL1: BP4, BP7

Blueprint Genetics
Classification: Likely benign. Last evaluated: 2024-03-23. Review status: criteria provided, single submitter. Criteria: ACMG Guidelines, 2015. Collection method: clinical testing. Allele origin: germline.

Genome-Nilou Lab
Classification: Likely benign for Schimke immuno-osseous dysplasia. Last evaluated: 2021-05-18. Review status: criteria provided, single submitter. Criteria: ACMG Guidelines, 2015. Collection method: clinical testing. Allele origin: germline. Affected: no.

Illumina Laboratory Services, Illumina
Classification: Uncertain significance for Schimke immuno-osseous dysplasia. Last evaluated: 2018-01-13. Review status: criteria provided, single submitter. Criteria: ICSL Variant Classification Criteria 13 December 2019. Collection method: clinical testing. Allele origin: germline.

Eurofins Ntd Llc (ga)
Classification: Uncertain significance. Last evaluated: 2016-11-17. Review status: criteria provided, single submitter. Criteria: EGL Classification Definitions 2015. Collection method: clinical testing. Allele origin: germline. Observed: 1 variant allele, 1 heterozygote.

PreventionGenetics, part of Exact Sciences
Classification: Likely benign for SMARCAL1-related condition. Last evaluated: 2023-07-13. Review status: no assertion criteria provided. Collection method: clinical testing. Allele origin: germline. Not counted in ClinVar's aggregate classification.
Comment: This variant is classified as likely benign based on ACMG/AMP sequence variant interpretation guidelines (Richards et al. 2015 PMID: 25741868, with internal and published modifications).

Natera, Inc.
Classification: Likely benign for Schimke immuno-osseous dysplasia. Last evaluated: 2019-11-11. Review status: no assertion criteria provided. Collection method: clinical testing. Allele origin: germline. Not counted in ClinVar's aggregate classification.

NM_014140.4(SMARCAL1):c.927C>T (p.Ser309=)

Gene: SMARCAL1 (SNF2 related chromatin remodeling annealing helicase 1; plus strand). Cytogenetic location: 2q35.
Variant type: single nucleotide variant.
Coding change: c.927C>T on transcript NM_014140.4 (MANE Select); coding-DNA position 927, C replaced by T.
Protein change: p.Ser309=; no amino-acid change (serine 309 retained).
Molecular consequence: synonymous variant.
Genome position (GRCh38, 1-based): chr2:216,420,363, C>T. VCF-style: chr2-216420363-C-T. GRCh37 (hg19) VCF-style: chr2-217285086-C-T.
Other names: c.927C>T, p.Ser309= (NM_001127207.2).
Identifiers: ClinVar variation 497994 (VCV000497994.31), dbSNP rs139949668, ClinGen allele CA2097739.